The following is an entry in ClinVar:

NM_007294.4(BRCA1):c.5008A>C (p.Arg1670=)

Gene: BRCA1 (BRCA1 DNA repair associated; minus strand). Cytogenetic location: 17q21.31.
Variant type: single nucleotide variant.
Coding change: c.5008A>C on transcript NM_007294.4 (MANE Select); coding-DNA position 5008, A replaced by C.
Protein change: p.Arg1670=; no amino-acid change (arginine 1670 retained).
Molecular consequence: synonymous variant. On other transcripts: intron variant (1).
Genome position (GRCh38, 1-based): chr17:43,067,674, T>G on the plus strand (A>C on the coding strand, the complement: BRCA1 is on the minus strand). VCF-style: chr17-43067674-T-G. GRCh37 (hg19) VCF-style: chr17-41219691-T-G.
Other names: c.5005A>C, p.Arg1669= (NM_001407620.1, NM_001407621.1, NM_001407622.1 and 17 more transcripts); c.5002A>C, p.Arg1668= (NM_001407627.1, NM_001407628.1, NM_001407629.1 and 14 more transcripts); c.4999A>C, p.Arg1667= (NM_001407644.1, NM_001407645.1); c.4996A>C, p.Arg1666= (NM_001407646.1); c.4993A>C, p.Arg1665= (NM_001407647.1); c.4951A>C, p.Arg1651= (NM_001407648.1); c.4948A>C, p.Arg1650= (NM_001407649.1); c.5008A>C, p.Arg1670= (NM_001407652.1, NM_001407684.1, NM_001407854.1 and 8 more transcripts); and 71 more.
Identifiers: ClinVar variation 391123 (VCV000391123.20), dbSNP rs1057523976, ClinGen allele CA16607661.
Genomic context (GRCh38, chr17:43,067,674, plus strand): 5'-TCATAACAACATGAGTAGTCTCTTCAGTAATTAGATTAGTTAAAGTGATGTGGTGTTTTC[T>G]GGCAAACTTGTACACGAGCATCTGAAATTAAATCAAATATTCCATTATCATGAGTTACCT-3'
Protein context (NP_009225.1, residues 1660-1680): EEFMLVYKFA[Arg1670=]KHHITLTNLI

ClinVar aggregate classification (germline): Likely benign. Review status: criteria provided, multiple submitters, no conflicts (2 of 4 stars). 4 submissions from 4 submitters: Likely benign (4). Last evaluated 2025-12-09.

Conditions:
Hereditary cancer-predisposing syndrome. Also called: Neoplastic Syndromes, Hereditary; Hereditary neoplastic syndrome; Hereditary Cancer Syndrome; Tumor predisposition. Identifiers: Orphanet 140162, MedGen C0027672, MeSH D009386, MONDO:0015356.
Hereditary breast ovarian cancer syndrome. Also called: Hereditary breast and ovarian cancer syndrome; Breast and ovarian cancer; Hereditary breast and ovarian cancer syndrome (HBOC); Hereditary breast and/or ovarian cancer syndrome; BRCA1- and BRCA2-Associated Hereditary Breast and Ovarian Cancer; Hereditary breast and ovarian cancer. Identifiers: Orphanet 145, MedGen C0677776, MeSH D061325, MONDO:0003582. Disease mechanism: loss of function.

Submissions (5):

Labcorp Genetics (formerly Invitae), Labcorp
Classification: Likely benign for Hereditary breast ovarian cancer syndrome. Last evaluated: 2025-12-09. Review status: criteria provided, single submitter. Criteria: Invitae Variant Classification Sherloc (09022015). Collection method: clinical testing. Allele origin: germline.

Color Diagnostics, LLC DBA Color Health
Classification: Likely benign for Hereditary cancer-predisposing syndrome. Last evaluated: 2021-07-26. Review status: criteria provided, single submitter. Criteria: ACMG Guidelines, 2015. Collection method: clinical testing. Allele origin: germline.

GeneDx
Classification: Likely benign. Last evaluated: 2016-11-22. Review status: criteria provided, single submitter. Criteria: GeneDx Variant Classification (06012015). Collection method: clinical testing. Allele origin: germline. Affected: yes.
Comment: This variant is considered likely benign or benign based on one or more of the following criteria: it is a conservative change, it occurs at a poorly conserved position in the protein, it is predicted to be benign by multiple in silico algorithms, and/or has population frequency not consistent with disease.

Ambry Genetics
Classification: Likely benign for Hereditary cancer-predisposing syndrome. Last evaluated: 2016-02-18. Review status: criteria provided, single submitter. Criteria: Ambry Variant Classification Scheme 2023. Collection method: clinical testing. Allele origin: germline.

Brotman Baty Institute, University of Washington
No classification provided (evidence only). Condition: Breast-ovarian cancer, familial 1. Review status: no classification provided. Collection method: in vitro. Allele origin: not applicable. Functional consequence: functionally_normal. Not counted in ClinVar's aggregate classification.
ClinVar note: "not provided" was previously submitted as the classification for the variant. However, the classification appeared to be based only on an observation of functional data so it was converted to no classification on 2025-07-30.